The following is an entry in ClinVar:

ClinVar aggregate classification (germline): Pathogenic/Likely pathogenic. Review status: criteria provided, multiple submitters, no conflicts (2 of 4 stars). 2 submissions from 2 submitters: Pathogenic (1); Likely pathogenic (1). Last evaluated 2024-07-02.

Conditions:
Hereditary cancer-predisposing syndrome. Also called: Tumor predisposition; Hereditary neoplastic syndrome; Neoplastic Syndromes, Hereditary; Hereditary Cancer Syndrome. Identifiers: Orphanet 140162, MedGen C0027672, MeSH D009386, MONDO:0015356.
Familial cancer of breast. Also called: Hereditary breast cancer; BREAST CANCER, FAMILIAL; hereditary breast carcinoma. Identifiers: Orphanet 227535, MedGen C0346153, MONDO:0016419, OMIM 114480. Disease mechanism: loss of function.

Submissions (2):

Color Diagnostics, LLC DBA Color Health
Classification: Likely pathogenic for Hereditary cancer-predisposing syndrome. Last evaluated: 2024-07-02. Review status: criteria provided, single submitter. Criteria: ACMG Guidelines, 2015. Collection method: clinical testing. Allele origin: germline.
Comment: This variant deletes 1 nucleotide in exon 11 of the BARD1 gene, creating a frameshift and premature translation stop signal. The mutant transcript is expected to escape nonsense-mediated decay and be expressed as truncated protein disrupting the functional BRCT2 domain (a.a. 667-777) that is critical for BARD1 protein function (PMID: 17848578, 30925164). To our knowledge, this variant has not been reported in individuals affected with BARD1-related disorders in the literature. This variant has not been identified in the general population by the Genome Aggregation Database (gnomAD). Loss of BARD1 function is a known mechanism of disease. Based on the available evidence, this variant is classified as Likely Pathogenic.

Myriad Genetics, Inc.
Classification: Pathogenic for Familial cancer of breast. Last evaluated: 2023-11-29. Review status: criteria provided, single submitter. Criteria: Myriad Autosomal Dominant, Autosomal Recessive and X-Linked Classification Criteria (2023). Collection method: clinical testing. Allele origin: unknown.
Comment: This variant is considered pathogenic. This variant creates a frameshift predicted to result in premature protein truncation.

Literature cited by the submitters: PubMed 17848578 (cited by Color Diagnostics, LLC DBA Color Health); PubMed 30925164 (cited by Color Diagnostics, LLC DBA Color Health).

NM_000465.4(BARD1):c.2195del (p.Phe732fs)

Gene: BARD1 (BRCA1 associated RING domain 1; minus strand). Cytogenetic location: 2q35.
Variant type: Deletion.
Coding change: c.2195del on transcript NM_000465.4 (MANE Select); coding-DNA position 2195, one base deleted (T; older notation c.2195delT).
Protein change: p.Phe732fs; shifts the reading frame from phenylalanine 732.
Molecular consequence: frameshift variant. On other transcripts: non-coding transcript variant (3).
Genome position (GRCh38, 1-based): chr2:214,728,815, A deleted on the plus strand (T on the coding strand, the reverse complement: BARD1 is on the minus strand); the first of 2 consecutive A bases (chr2:214,728,815-214,728,816); deleting either gives the same sequence. VCF-style (leftmost placement, unchanged base first): chr2-214728814-GA-G. GRCh37 (hg19) VCF-style: chr2-215593538-GA-G.
Other names: c.2138del, p.Phe713fs (NM_001282543.2); c.842del, p.Phe281fs (NM_001282545.2); c.785del, p.Phe262fs (NM_001282548.2); c.656del, p.Phe219fs (NM_001282549.2); short protein forms F219fs, F262fs, F281fs, F713fs, F732fs.
Identifiers: ClinVar variation 2674016 (VCV002674016.2), dbSNP rs2469269137, ClinGen allele CA2695197108.